The following is an entry in ClinVar:

NM_001126108.2(SLC12A3):c.1045C>G (p.Pro349Ala)

Gene: SLC12A3 (solute carrier family 12 member 3; plus strand). Cytogenetic location: 16q13.
Variant type: single nucleotide variant.
Coding change: c.1045C>G on transcript NM_001126108.2 (MANE Select); coding-DNA position 1045, C replaced by G.
Protein change: p.Pro349Ala; replaces proline 349 with alanine.
Molecular consequence: missense variant.
Genome position (GRCh38, 1-based): chr16:56,872,736, C>G. VCF-style: chr16-56872736-C-G. GRCh37 (hg19) VCF-style: chr16-56906648-C-G.
Other names: c.1045C>G, p.Pro349Ala (NM_000339.3); c.1042C>G, p.Pro348Ala (NM_001126107.2, NM_001410896.1); short protein forms P348A, P349A.
Identifiers: ClinVar variation 2429144 (VCV002429144.8), dbSNP rs1335601482, ClinGen allele CA395983842.

ClinVar aggregate classification (germline): Conflicting classifications of pathogenicity. Review status: criteria provided, conflicting classifications (1 of 4 stars). 2 submissions from 2 submitters: Likely pathogenic (1); Uncertain significance (1). Last evaluated 2025-07-02.

Allele frequency attached by ClinVar (database versions not stated): gnomAD 0.00001.
gnomAD v4.1: 1 of 1,614,110 alleles (0.000062%); highest among the groups gnomAD compares: African/African-American, 0.0013%; no homozygotes.

Submissions (2):

Women's Health and Genetics/Laboratory Corporation of America, LabCorp
Classification: Uncertain significance. Last evaluated: 2025-07-02. Review status: criteria provided, single submitter. Criteria: LabCorp Variant Classification Summary - May 2015. Collection method: clinical testing. Allele origin: germline.
Comment: Variant summary: SLC12A3 c.1045C>G (p.Pro349Ala) results in a non-conservative amino acid change located in the amino acid permease domain (IPR004841) of the encoded protein sequence. Algorithms developed to predict the effect of missense changes on protein structure and function all suggest that this variant is likely to be disruptive. The variant was absent in 251466 control chromosomes. The available data on variant occurrences in the general population are insufficient to allow any conclusion about variant significance. To our knowledge, no occurrence of c.1045C>G in individuals affected with Familial Hypokalemia-Hypomagnesemia and no experimental evidence demonstrating its impact on protein function have been reported. ClinVar contains an entry for this variant (Variation ID: 2429144). Based on the evidence outlined above, the variant was classified as uncertain significance.

Labcorp Genetics (formerly Invitae), Labcorp
Classification: Likely pathogenic. Last evaluated: 2022-12-03. Review status: criteria provided, single submitter. Criteria: Invitae Variant Classification Sherloc (09022015). Collection method: clinical testing. Allele origin: germline.
Comment: In summary, the currently available evidence indicates that the variant is pathogenic, but additional data are needed to prove that conclusively. Therefore, this variant has been classified as Likely Pathogenic. This variant disrupts the p.Pro349 amino acid residue in SLC12A3. Other variant(s) that disrupt this residue have been determined to be pathogenic (PMID: 8528245, 8900229, 21415153). This suggests that this residue is clinically significant, and that variants that disrupt this residue are likely to be disease-causing. Advanced modeling of protein sequence and biophysical properties (such as structural, functional, and spatial information, amino acid conservation, physicochemical variation, residue mobility, and thermodynamic stability) performed at Invitae indicates that this missense variant is expected to disrupt SLC12A3 protein function. This variant has not been reported in the literature in individuals affected with SLC12A3-related conditions. This variant is present in population databases (no rsID available, gnomAD 0.01%). This sequence change replaces proline, which is neutral and non-polar, with alanine, which is neutral and non-polar, at codon 349 of the SLC12A3 protein (p.Pro349Ala).

Literature cited by the submitters: PubMed 8528245 (cited by Labcorp Genetics (formerly Invitae), Labcorp); PubMed 8900229 (cited by Labcorp Genetics (formerly Invitae), Labcorp); PubMed 21415153 (cited by Labcorp Genetics (formerly Invitae), Labcorp).